The following is an entry in ClinVar:

ClinVar aggregate classification (germline): Uncertain significance (1 of 4 stars; one submission).

gnomAD v4.1: 4 of 1,613,484 alleles (0.00025%); highest among the groups gnomAD compares: Admixed American, 0.005%; no homozygotes.

Submission:

Labcorp Genetics (formerly Invitae), Labcorp
Classification: Uncertain significance. Last evaluated: 2024-07-28. Review status: criteria provided, single submitter. Criteria: Invitae Variant Classification Sherloc (09022015). Collection method: clinical testing. Allele origin: germline.
Comment: This sequence change replaces aspartic acid, which is acidic and polar, with tyrosine, which is neutral and polar, at codon 340 of the CASQ1 protein (p.Asp340Tyr). This variant is present in population databases (rs749145120, gnomAD 0.009%). This variant has not been reported in the literature in individuals affected with CASQ1-related conditions. Advanced modeling of protein sequence and biophysical properties (such as structural, functional, and spatial information, amino acid conservation, physicochemical variation, residue mobility, and thermodynamic stability) has been performed at Invitae for this missense variant, however the output from this modeling did not meet the statistical confidence thresholds required to predict the impact of this variant on CASQ1 protein function. In summary, the available evidence is currently insufficient to determine the role of this variant in disease. Therefore, it has been classified as a Variant of Uncertain Significance.

NM_001231.5(CASQ1):c.1018G>T (p.Asp340Tyr)

Gene: CASQ1 (calsequestrin 1; plus strand). Cytogenetic location: 1q23.2.
Variant type: single nucleotide variant.
Coding change: c.1018G>T on transcript NM_001231.5 (MANE Select); coding-DNA position 1018, G replaced by T.
Protein change: p.Asp340Tyr; replaces aspartic acid 340 with tyrosine.
Molecular consequence: missense variant.
Genome position (GRCh38, 1-based): chr1:160,199,884, G>T. VCF-style: chr1-160199884-G-T. GRCh37 (hg19) VCF-style: chr1-160169674-G-T.
Other names: short protein forms D340Y.
Identifiers: ClinVar variation 3695220 (VCV003695220.2).